The following is an entry in ClinVar:

ClinVar aggregate classification (germline): Uncertain significance (1 of 4 stars; one submission).

Conditions:
Autoimmune interstitial lung disease-arthritis syndrome. Also called: Autoinflammation and autoimmunity, systemic, with immune dysregulation. Identifiers: Orphanet 444092, MedGen C5975714, MONDO:0014629.

Submission:

Labcorp Genetics (formerly Invitae), Labcorp
Classification: Uncertain significance for Autoimmune interstitial lung disease-arthritis syndrome. Last evaluated: 2024-09-03. Review status: criteria provided, single submitter. Criteria: Invitae Variant Classification Sherloc (09022015). Collection method: clinical testing. Allele origin: germline.
Comment: This sequence change replaces methionine, which is neutral and non-polar, with threonine, which is neutral and polar, at codon 139 of the COPA protein (p.Met139Thr). This variant is not present in population databases (gnomAD no frequency). This variant has not been reported in the literature in individuals affected with COPA-related conditions. Invitae Evidence Modeling of protein sequence and biophysical properties (such as structural, functional, and spatial information, amino acid conservation, physicochemical variation, residue mobility, and thermodynamic stability) indicates that this missense variant is expected to disrupt COPA protein function with a positive predictive value of 80%. In summary, the available evidence is currently insufficient to determine the role of this variant in disease. Therefore, it has been classified as a Variant of Uncertain Significance.

NM_004371.4(COPA):c.416T>C (p.Met139Thr)

Gene: COPA (coat protein complex I subunit alpha; minus strand). Cytogenetic location: 1q23.2.
Variant type: single nucleotide variant.
Coding change: c.416T>C on transcript NM_004371.4 (MANE Select); coding-DNA position 416, T replaced by C.
Protein change: p.Met139Thr; replaces methionine 139 with threonine.
Molecular consequence: missense variant.
Genome position (GRCh38, 1-based): chr1:160,332,528, A>G on the plus strand (T>C on the coding strand, the complement: COPA is on the minus strand). VCF-style: chr1-160332528-A-G. GRCh37 (hg19) VCF-style: chr1-160302318-A-G.
Other names: c.416T>C, p.Met139Thr (NM_001098398.2); short protein forms M139T.
Identifiers: ClinVar variation 3663648 (VCV003663648.2).